The following is an entry in ClinVar:

NM_001040142.2(SCN2A):c.2896G>A (p.Val966Ile)

Gene: SCN2A (sodium voltage-gated channel alpha subunit 2; plus strand). Cytogenetic location: 2q24.3.
Variant type: single nucleotide variant.
Coding change: c.2896G>A on transcript NM_001040142.2 (MANE Select); coding-DNA position 2896, G replaced by A.
Protein change: p.Val966Ile; replaces valine 966 with isoleucine.
Molecular consequence: missense variant.
Genome position (GRCh38, 1-based): chr2:165,344,888, G>A. VCF-style: chr2-165344888-G-A. GRCh37 (hg19) VCF-style: chr2-166201398-G-A.
Other names: c.2896G>A, p.Val966Ile (NM_001040143.2, NM_001371246.1, NM_001371247.1 and 1 more transcripts); short protein forms V966I.
Identifiers: ClinVar variation 3753663 (VCV003753663.2).

ClinVar aggregate classification (germline): Uncertain significance (1 of 4 stars; one submission).

Conditions:
Developmental and epileptic encephalopathy, 11 (DEE11). Also called: Early infantile epileptic encephalopathy 11. Identifiers: Orphanet 1934, MedGen C3150987, MONDO:0013388, OMIM 613721.
Seizures, benign familial infantile, 3 (BFIS3). Also called: CONVULSIONS, BENIGN FAMILIAL INFANTILE, 3; Familial neonatal seizures. Identifiers: Orphanet 140927, Orphanet 306, MedGen C1843140, MONDO:0011904, OMIM 607745.

Submission:

Labcorp Genetics (formerly Invitae), Labcorp
Classification: Uncertain significance for Seizures, benign familial infantile, 3; Developmental and epileptic encephalopathy, 11. Last evaluated: 2024-12-13. Review status: criteria provided, single submitter. Criteria: Invitae Variant Classification Sherloc (09022015). Collection method: clinical testing. Allele origin: germline.
Comment: This sequence change replaces valine, which is neutral and non-polar, with isoleucine, which is neutral and non-polar, at codon 966 of the SCN2A protein (p.Val966Ile). This variant is not present in population databases (gnomAD no frequency). This variant has not been reported in the literature in individuals affected with SCN2A-related conditions. Invitae Evidence Modeling of protein sequence and biophysical properties (such as structural, functional, and spatial information, amino acid conservation, physicochemical variation, residue mobility, and thermodynamic stability) indicates that this missense variant is expected to disrupt SCN2A protein function with a positive predictive value of 80%. In summary, the available evidence is currently insufficient to determine the role of this variant in disease. Therefore, it has been classified as a Variant of Uncertain Significance.